The following is an entry in ClinVar:

NM_004364.5(CEBPA):c.1039G>C (p.Glu347Gln)

Gene: CEBPA (CCAAT enhancer binding protein alpha; minus strand). Cytogenetic location: 19q13.11.
Variant type: single nucleotide variant.
Coding change: c.1039G>C on transcript NM_004364.5 (MANE Select); coding-DNA position 1039, G replaced by C.
Protein change: p.Glu347Gln; replaces glutamic acid 347 with glutamine.
Molecular consequence: missense variant.
Genome position (GRCh38, 1-based): chr19:33,301,376, C>G on the plus strand (G>C on the coding strand, the complement: CEBPA is on the minus strand). VCF-style: chr19-33301376-C-G. GRCh37 (hg19) VCF-style: chr19-33792282-C-G.
Other names: c.682G>C, p.Glu228Gln (NM_001285829.2); c.1144G>C, p.Glu382Gln (NM_001287424.2); c.997G>C, p.Glu333Gln (NM_001287435.2); short protein forms E347Q, E228Q, E333Q, E382Q.
Identifiers: ClinVar variation 1964011 (VCV001964011.5), dbSNP rs1468313242, ClinGen allele CA405273670.

ClinVar aggregate classification (germline): Uncertain significance (1 of 4 stars; one submission).

Conditions:
Acute myeloid leukemia (AML). Also called: Acute myeloid leukemia, adult; AML adult; Acute non-lymphocytic leukemia; Acute granulocytic leukemia; Leukemia, acute myeloid, somatic; Leukemia, acute myelogenous, somatic. Identifiers: Orphanet 519, MedGen C0023467, MeSH D015470, MONDO:0018874, OMIM 601626, HP:0004808. Disease mechanism: Constitutively activated FLT3.

Submission:

Labcorp Genetics (formerly Invitae), Labcorp
Classification: Uncertain significance for Acute myeloid leukemia. Last evaluated: 2022-01-26. Review status: criteria provided, single submitter. Criteria: Invitae Variant Classification Sherloc (09022015). Collection method: clinical testing. Allele origin: germline.
Comment: In summary, the available evidence is currently insufficient to determine the role of this variant in disease. Therefore, it has been classified as a Variant of Uncertain Significance. Algorithms developed to predict the effect of missense changes on protein structure and function are either unavailable or do not agree on the potential impact of this missense change (SIFT: "Tolerated"; PolyPhen-2: "Possibly Damaging"; Align-GVGD: "Class C0"). This variant has not been reported in the literature in individuals affected with CEBPA-related conditions. This variant is not present in population databases (gnomAD no frequency). This sequence change replaces glutamic acid, which is acidic and polar, with glutamine, which is neutral and polar, at codon 347 of the CEBPA protein (p.Glu347Gln).